The following is an entry in ClinVar:

NM_006766.5(KAT6A):c.2888C>T (p.Thr963Ile)

Gene: KAT6A (lysine acetyltransferase 6A; minus strand). Cytogenetic location: 8p11.21.
Variant type: single nucleotide variant.
Coding change: c.2888C>T on transcript NM_006766.5 (MANE Select); coding-DNA position 2888, C replaced by T.
Protein change: p.Thr963Ile; replaces threonine 963 with isoleucine.
Molecular consequence: missense variant.
Genome position (GRCh38, 1-based): chr8:41,940,993, G>A on the plus strand (C>T on the coding strand, the complement: KAT6A is on the minus strand). VCF-style: chr8-41940993-G-A. GRCh37 (hg19) VCF-style: chr8-41798511-G-A.
Other names: short protein forms T963I.
Identifiers: ClinVar variation 4747381 (VCV004747381.1).
Genomic context (GRCh38, chr8:41,940,993, plus strand): 5'-CCCCTGAGGACAGCCCTGTCACCCTCACTGTAGCGACGGGGCAGCCTCTCACTTCCTTCT[G>A]TTAATCTGCACTTCAGAGCCTCAGGGCTTTTCTTGAGCTGTCCTCGCCAGGGCTCAACCC-3'
Protein context (NP_006757.2, residues 953-973): KSPEALKCRL[Thr963Ile]EGSERLPRRY

ClinVar aggregate classification (germline): Uncertain significance (1 of 4 stars; one submission).

Submission:

Labcorp Genetics (formerly Invitae), Labcorp
Classification: Uncertain significance. Last evaluated: 2025-05-01. Review status: criteria provided, single submitter. Criteria: Invitae Variant Classification Sherloc (09022015). Collection method: clinical testing. Allele origin: germline.
Comment: This sequence change replaces threonine, which is neutral and polar, with isoleucine, which is neutral and non-polar, at codon 963 of the KAT6A protein (p.Thr963Ile). This variant is not present in population databases (gnomAD no frequency). This variant has not been reported in the literature in individuals affected with KAT6A-related conditions. Invitae Evidence Modeling of protein sequence and biophysical properties (such as structural, functional, and spatial information, amino acid conservation, physicochemical variation, residue mobility, and thermodynamic stability) indicates that this missense variant is not expected to disrupt KAT6A protein function with a negative predictive value of 95%. In summary, the available evidence is currently insufficient to determine the role of this variant in disease. Therefore, it has been classified as a Variant of Uncertain Significance.